The following is an entry in ClinVar:

ClinVar aggregate classification (germline): Uncertain significance (1 of 4 stars; one submission).

Conditions:
Joubert syndrome 21 (JBTS21). Identifiers: MedGen C3810212, MONDO:0014288, OMIM 615636.

Allele frequency attached by ClinVar (database versions not stated): TOPMed below 0.00001; gnomAD 0.00001.
gnomAD v4.1: 1 of 1,613,864 alleles (0.000062%); highest among the groups gnomAD compares: African/African-American, 0.0013%; no homozygotes.

Submission:

Labcorp Genetics (formerly Invitae), Labcorp
Classification: Uncertain significance for Joubert syndrome 21. Last evaluated: 2022-08-15. Review status: criteria provided, single submitter. Criteria: Invitae Variant Classification Sherloc (09022015). Collection method: clinical testing. Allele origin: germline.
Comment: In summary, the available evidence is currently insufficient to determine the role of this variant in disease. Therefore, it has been classified as a Variant of Uncertain Significance. Algorithms developed to predict the effect of missense changes on protein structure and function (SIFT, PolyPhen-2, Align-GVGD) all suggest that this variant is likely to be tolerated. ClinVar contains an entry for this variant (Variation ID: 1518282). This variant has not been reported in the literature in individuals affected with CSPP1-related conditions. This variant is not present in population databases (gnomAD no frequency). This sequence change replaces aspartic acid, which is acidic and polar, with asparagine, which is neutral and polar, at codon 17 of the CSPP1 protein (p.Asp17Asn).

NM_001382391.1(CSPP1):c.-102G>A

Gene: CSPP1 (centrosome and spindle pole associated protein 1; plus strand). Cytogenetic location: 8q13.1.
Variant type: single nucleotide variant.
Coding change: c.-102G>A on transcript NM_001382391.1 (MANE Select); 102 bases upstream of the start codon, G replaced by A.
Molecular consequence: 5 prime UTR variant. On other transcripts: missense variant (3).
Genome position (GRCh38, 1-based): chr8:67,064,447, G>A. VCF-style: chr8-67064447-G-A. GRCh37 (hg19) VCF-style: chr8-67976682-G-A.
Other names: c.-102G>A (NM_001363131.2, NM_001363132.2, NM_001363133.2); c.49G>A, p.Asp17Asn (NM_001364869.1, NM_001364870.1, NM_024790.7); short protein forms D17N.
Identifiers: ClinVar variation 1518282 (VCV001518282.8), dbSNP rs1805078439, ClinGen allele CA371208555.